The following is an entry in ClinVar:

ClinVar aggregate classification (germline): Uncertain significance (1 of 4 stars; one submission).

Conditions:
ATRX-related disorder. Also called: ATRX-related condition.

gnomAD v4.1: 4 of 1,185,902 alleles (0.00034%); highest among the groups gnomAD compares: East Asian, 0.012%; no homozygotes.

Submission:

PreventionGenetics, part of Exact Sciences
Classification: Uncertain significance for ATRX-related condition. Last evaluated: 2024-12-13. Review status: criteria provided, single submitter. Criteria: ACMG Guidelines, 2015. Collection method: clinical testing. Allele origin: germline.
Comment: The ATRX c.6220G>C variant is predicted to result in the amino acid substitution p.Glu2074Gln. To our knowledge, this variant has not been reported in the literature or in a large population database (gnomAD), indicating this variant is rare. At this time, the clinical significance of this variant is uncertain due to the absence of conclusive functional and genetic evidence.

NM_000489.6(ATRX):c.6220G>C (p.Glu2074Gln)

Gene: ATRX (ATRX chromatin remodeler; minus strand). Cytogenetic location: Xq21.1.
Variant type: single nucleotide variant.
Coding change: c.6220G>C on transcript NM_000489.6 (MANE Select); coding-DNA position 6220, G replaced by C.
Protein change: p.Glu2074Gln; replaces glutamic acid 2074 with glutamine.
Molecular consequence: missense variant.
Genome position (GRCh38, 1-based): chrX:77,574,356, C>G on the plus strand (G>C on the coding strand, the complement: ATRX is on the minus strand). VCF-style: chrX-77574356-C-G. GRCh37 (hg19) VCF-style: chrX-76829821-C-G.
Other names: c.6106G>C, p.Glu2036Gln (NM_138270.5); short protein forms E2036Q, E2074Q.
Identifiers: ClinVar variation 5002380 (VCV005002380.1).